The following is an entry in ClinVar:

NM_002113.3(CFHR1):c.431-2A>G

Gene: CFHR1 (complement factor H related 1; plus strand). Cytogenetic location: 1q31.3.
Variant type: single nucleotide variant.
Coding change: c.431-2A>G on transcript NM_002113.3 (MANE Select); the canonical splice acceptor site of the intron before coding-DNA position 431, A replaced by G.
Molecular consequence: splice acceptor variant. On other transcripts: intron variant (1).
Genome position (GRCh38, 1-based): chr1:196,828,068, A>G. VCF-style: chr1-196828068-A-G. GRCh37 (hg19) VCF-style: chr1-196797198-A-G.
Other names: c.254-29A>G (NM_001379311.1); c.380-2A>G (NM_001379306.1); c.269-2A>G (NM_001379307.1); c.266-2A>G (NM_001379308.1); c.263-2A>G (NM_001379309.1); c.236-2A>G (NM_001379310.1); c.188-2A>G (NM_001379312.1).
Identifiers: ClinVar variation 2503981 (VCV002503981.25), dbSNP rs111851524, ClinGen allele CA1306484.

ClinVar aggregate classification (germline): Conflicting classifications of pathogenicity. Review status: criteria provided, conflicting classifications (1 of 4 stars). 2 submissions from 2 submitters: Uncertain significance (1); Benign (1). Last evaluated 2023-04-14.

Allele frequency attached by ClinVar (database versions not stated): gnomAD 0.00010; ExAC 0.00019; 1000 Genomes Project 0.00080; 1000 Genomes Project 30x 0.00125.
gnomAD v4.1: 202 of 1,496,310 alleles (0.013%); highest among the groups gnomAD compares: Middle Eastern, 0.19%; 43 homozygotes.

Submissions (2):

Women's Health and Genetics/Laboratory Corporation of America, LabCorp
Classification: Benign. Last evaluated: 2023-04-14. Review status: criteria provided, single submitter. Criteria: LabCorp Variant Classification Summary - May 2015. Collection method: clinical testing. Allele origin: germline.
Comment: Variant summary: CFHR1 c.431-2A>G is located in a canonical splice-site and is predicted to affect mRNA splicing resulting in a significantly altered protein due to either exon skipping, shortening, or inclusion of intronic material. Several computational tools predict a significant impact on normal splicing: Four predict the variant abolishes a 3 prime acceptor site. However, these predictions have yet to be confirmed by functional studies. The variant allele was found at a frequency of 0.00023 in 233102 control chromosomes in the gnomAD database, including 12 homozygotes. The observed variant frequency is slightly higher than the estimated maximal expected allele frequency for a pathogenic variant in CFHR1 causing Genetic Atypical Hemolytic Uremic Syndrome phenotype (0.00016), strongly suggesting that the variant is benign. To our knowledge, no occurrence of c.431-2A>G in individuals affected with Genetic Atypical Hemolytic Uremic Syndrome and no experimental evidence demonstrating its impact on protein function have been reported. No clinical diagnostic laboratories have submitted clinical-significance assessments for this variant to ClinVar after 2014. Based on the evidence outlined above, the variant was classified as benign.

CeGaT Center for Human Genetics Tuebingen
Classification: Uncertain significance. Last evaluated: 2022-08-01. Review status: criteria provided, single submitter. Criteria: CeGaT Center For Human Genetics Tuebingen Variant Classification Criteria Version 2. Collection method: clinical testing. Allele origin: germline. Affected: yes. Observed: 1 variant allele.